The following is an entry in ClinVar:

NM_001042492.3(NF1):c.2082del (p.Leu695fs)

Gene: NF1 (neurofibromin 1; plus strand). Cytogenetic location: 17q11.2.
Variant type: Deletion.
Coding change: c.2082del on transcript NM_001042492.3 (MANE Select); coding-DNA position 2082, one base deleted (T; older notation c.2082delT).
Protein change: p.Leu695fs; shifts the reading frame from leucine 695.
Molecular consequence: frameshift variant.
Genome position (GRCh38, 1-based): chr17:31,226,515, T deleted; the last of 3 consecutive T bases (chr17:31,226,513-31,226,515); deleting any one gives the same sequence. VCF-style (leftmost placement, unchanged base first): chr17-31226512-GT-G. GRCh37 (hg19) VCF-style: chr17-29553530-GT-G.
Other names: c.2082delT (NM_001042492.3, NM_000267.3); c.2082delT, p.Leu695Cysfs (NM_000267.4); short protein forms L695fs.
Identifiers: ClinVar variation 1048745 (VCV001048745.7), dbSNP rs2151425736, ClinGen allele CA2499224042.
Genomic context (GRCh38, chr17:31,226,512, plus strand): 5'-CAGCGGAACCCCCCCGATTTGCCGACAAGCCCAGACCAAACTAGAAGTGGCCCTGTACAT[GT>G]TTCTGTGGAACCCTGACACTGAAGCTGTTCTGGTTGCCATGTCCTGTTTCCGCCACCTCT-3'

ClinVar aggregate classification (germline): Pathogenic. Review status: criteria provided, multiple submitters, no conflicts (2 of 4 stars). 3 submissions from 3 submitters: Pathogenic (2). 1 of the submissions does not count toward it. Last evaluated 2026-03-26.

Conditions:
Neurofibromatosis, type 1 (NF1). Also called: Neurofibromatosis, type I; NEUROFIBROMATOSIS, TYPE I, SOMATIC; Peripheral type neurofibromatosis; VON RECKLINGHAUSEN DISEASE. Identifiers: Orphanet 636, MedGen C0027831, MONDO:0018975, OMIM 162200. Disease mechanism: loss of function.
NF1-related disorder. Also called: NF1-related condition. Identifiers: MedGen CN379171.

Submissions (3):

PreventionGenetics, part of Exact Sciences
Classification: Pathogenic for NF1-related condition. Last evaluated: 2026-03-26. Review status: criteria provided, single submitter. Criteria: ACMG Guidelines, 2015. Collection method: clinical testing. Allele origin: germline.
Comment: The NF1 c.2082delT variant is predicted to result in a frameshift and premature protein termination (p.Leu695Cysfs*53). To our knowledge this variant has not been reported in the literature or a large population database (gnomAD), indicating this variant is rare. It is classified as pathogenic in ClinVar (Variation ID: 1048745). Frameshift variants in NF1 are expected to be pathogenic. This variant is interpreted as pathogenic.

Labcorp Genetics (formerly Invitae), Labcorp
Classification: Pathogenic for Neurofibromatosis, type 1. Last evaluated: 2022-04-28. Review status: criteria provided, single submitter. Criteria: Invitae Variant Classification Sherloc (09022015). Collection method: clinical testing. Allele origin: germline.
Comment: ClinVar contains an entry for this variant (Variation ID: 1048745). This sequence change creates a premature translational stop signal (p.Leu695Cysfs*53) in the NF1 gene. It is expected to result in an absent or disrupted protein product. Loss-of-function variants in NF1 are known to be pathogenic (PMID: 10712197, 23913538). This variant is not present in population databases (gnomAD no frequency). This variant has not been reported in the literature in individuals affected with NF1-related conditions. For these reasons, this variant has been classified as Pathogenic.

Laboratory of Medical Genetics, National & Kapodistrian University of Athens
Classification: Pathogenic for Neurofibromatosis, type 1. Last evaluated: 2019-01-01. Review status: no assertion criteria provided. Collection method: clinical testing. Allele origin: germline. Affected: yes. Not counted in ClinVar's aggregate classification.

Literature cited by the submitters: PubMed 10712197 (cited by Labcorp Genetics (formerly Invitae), Labcorp); PubMed 23913538 (cited by Labcorp Genetics (formerly Invitae), Labcorp).